The following is an entry in ClinVar:

NM_001197104.2(KMT2A):c.2890_2893del (p.Lys964fs)

Gene: KMT2A (lysine methyltransferase 2A; plus strand). Cytogenetic location: 11q23.3.
Variant type: Microsatellite.
Coding change: c.2890_2893del on transcript NM_001197104.2 (MANE Select); coding-DNA positions 2890 to 2893, 4 bases deleted (AAAG; older notation c.2890_2893delAAAG).
Protein change: p.Lys964fs; shifts the reading frame from lysine 964.
Molecular consequence: frameshift variant.
Genome position (GRCh38, 1-based): chr11:118,474,049-118,474,052, AAAG deleted; deleting any 4 consecutive bases within chr11:118,474,045-118,474,052 gives the same sequence; the c. name uses the placement nearest the transcript's 3' end. VCF-style (leftmost placement, unchanged base first): chr11-118474044-TAAAG-T. GRCh37 (hg19) VCF-style: chr11-118344759-TAAAG-T.
Other names: c.2989_2992del, p.Lys997fs (NM_001412597.1); c.2890_2893del, p.Lys964fs (NM_005933.4); short protein forms K964fs, K997fs.
Identifiers: ClinVar variation 4886560 (VCV004886560.2).

ClinVar aggregate classification (germline): Likely pathogenic (1 of 4 stars; one submission).

Submission:

Dasa
Classification: Likely pathogenic. Last evaluated: 2026-04-17. Review status: criteria provided, single submitter. Criteria: DASA Assertion Criteria. Collection method: clinical testing. Allele origin: germline.
Comment: NM_001197104.2(KMT2A):c.2890_2893del (p.Lys964Glyfs*42) is a frameshift variant in KMT2A predicted to alter the reading frame and introduce a premature termination codon and is predicted to result in an absent or altered protein product. Loss of function is an established disease mechanism for KMT2A (PMID: 22795537; PMID: 24818805; PMID: 27759909). Also, this variant is absent from population databases. Based on the currently available evidence, this variant is classified as likely pathogenic.

Literature cited by the submitters: PubMed 22795537; PubMed 24818805; PubMed 27759909.